The following is an entry in ClinVar:

ClinVar aggregate classification (germline): Conflicting classifications of pathogenicity. Review status: criteria provided, conflicting classifications (1 of 4 stars). 2 submissions from 2 submitters: Likely pathogenic (1); Uncertain significance (1). Last evaluated 2026-08-01.

Conditions:
Bethlem myopathy 1A. Also called: MYOPATHY, BENIGN CONGENITAL, WITH CONTRACTURES; Bethlem Muscular Dystrophy; Bethlem myopathy 1. Identifiers: Orphanet 610, MedGen CN029274, MONDO:0024530, OMIM 158810.

Submissions (2):

CeGaT Center for Human Genetics Tuebingen
Classification: Uncertain significance. Last evaluated: 2026-08-01. Review status: criteria provided, single submitter. Criteria: CeGaT Center For Human Genetics Tuebingen Variant Classification Criteria Version 2. Collection method: clinical testing. Allele origin: germline. Affected: yes. Observed: 1 variant allele.
Comment: COL6A2: PM2, PP3

Laboratory of Medical Genetics, National & Kapodistrian University of Athens
Classification: Likely pathogenic for Bethlem myopathy 1A. Last evaluated: 2021-08-10. Review status: criteria provided, single submitter. Criteria: ACMG Guidelines, 2015. Collection method: clinical testing. Allele origin: unknown. Affected: yes.
Comment: PM1, PM2, PM3, PP2, PP3

NM_001849.4(COL6A2):c.1868C>T (p.Ser623Phe)

Gene: COL6A2 (collagen type VI alpha 2 chain; plus strand). Cytogenetic location: 21q22.3.
Variant type: single nucleotide variant.
Coding change: c.1868C>T on transcript NM_001849.4 (MANE Select); coding-DNA position 1868, C replaced by T.
Protein change: p.Ser623Phe; replaces serine 623 with phenylalanine.
Molecular consequence: missense variant.
Genome position (GRCh38, 1-based): chr21:46,125,516, C>T. VCF-style: chr21-46125516-C-T. GRCh37 (hg19) VCF-style: chr21-47545430-C-T.
Other names: c.1868C>T, p.Ser623Phe (NM_058174.3, NM_058175.3); short protein forms S623F.
Identifiers: ClinVar variation 1299539 (VCV001299539.2), dbSNP rs2123661865, ClinGen allele CA410538548.